The following is an entry in ClinVar:

ClinVar aggregate classification (germline): Benign (1 of 4 stars; one submission).

Conditions:
Hereditary diffuse gastric adenocarcinoma (HDGC). Also called: DIFFUSE GASTRIC AND LOBULAR BREAST CANCER SYNDROME. Identifiers: Orphanet 26106, MedGen C1708349, MONDO:0007648, OMIM 137215.

Submission:

Myriad Genetics, Inc.
Classification: Benign for Hereditary diffuse gastric adenocarcinoma. Last evaluated: 2024-09-12. Review status: criteria provided, single submitter. Criteria: Myriad Autosomal Dominant, Autosomal Recessive and X-Linked Classification Criteria (2023). Collection method: clinical testing. Allele origin: unknown.
Comment: This variant is considered benign. This variant is a silent/synonymous amino acid change and it is not expected to impact splicing.

NM_004360.5(CDH1):c.201C>G (p.Ala67=)

Gene: CDH1 (cadherin 1; plus strand). Cytogenetic location: 16q22.1.
Variant type: single nucleotide variant.
Coding change: c.201C>G on transcript NM_004360.5 (MANE Select); coding-DNA position 201, C replaced by G.
Protein change: p.Ala67=; no amino-acid change (alanine 67 retained).
Molecular consequence: synonymous variant. On other transcripts: 5 prime UTR variant (2).
Genome position (GRCh38, 1-based): chr16:68,801,707, C>G. VCF-style: chr16-68801707-C-G. GRCh37 (hg19) VCF-style: chr16-68835610-C-G.
Other names: c.201C>G, p.Ala67= (NM_001317184.2); c.-1415C>G (NM_001317185.2); c.-1619C>G (NM_001317186.2).
Identifiers: ClinVar variation 3378983 (VCV003378983.1).
Genomic context (GRCh38, chr16:68,801,707, plus strand): 5'-TCTCTGTGATTTCTGCCCTGCAGTGAATTTTGAAGATTGCACCGGTCGACAAAGGACAGC[C>G]TATTTTTCCCTCGACACCCGATTCAAAGTGGGCACAGATGGTGTGATTACAGTCAAAAGG-3'
Protein context (NP_004351.1, residues 57-77): FEDCTGRQRT[Ala67=]YFSLDTRFKV